The following is an entry in ClinVar:

ClinVar aggregate classification (germline): Benign/Likely benign. Review status: criteria provided, multiple submitters, no conflicts (2 of 4 stars). 3 submissions from 3 submitters: Benign (1); Likely benign (2). Last evaluated 2026-04-01.

Conditions:
Intellectual developmental disorder, autosomal dominant 6, with or without seizures. Also called: Intellectual disability, autosomal dominant 6; GRIN2B-related developmental delay, intellectual disability and autism spectrum disorder. Identifiers: Orphanet 589547, MedGen C3151411, MONDO:0013509, OMIM 613970.
Developmental and epileptic encephalopathy, 27 (DEE27). Also called: GRIN2B-Related Neurodevelopmental Disorder; Epileptic encephalopathy, early infantile, 27. Identifiers: Orphanet 3451, MedGen C4015316, MONDO:0014505, OMIM 616139.

Allele frequency attached by ClinVar (database versions not stated): gnomAD exomes 0.00003 and 0.00004; TOPMed 0.00002; ExAC 0.00005.
gnomAD v4.1: 46 of 1,614,048 alleles (0.0028%); highest among the groups gnomAD compares: South Asian, 0.048%; no homozygotes.

Submissions (3):

CeGaT Center for Human Genetics Tuebingen
Classification: Likely benign. Last evaluated: 2026-04-01. Review status: criteria provided, single submitter. Criteria: CeGaT Center For Human Genetics Tuebingen Variant Classification Criteria Version 2. Collection method: clinical testing. Allele origin: germline. Affected: yes. Observed: 1 variant allele.
Comment: GRIN2B: BS1

Labcorp Genetics (formerly Invitae), Labcorp
Classification: Benign for Developmental and epileptic encephalopathy, 27; Intellectual developmental disorder, autosomal dominant 6, with or without seizures. Last evaluated: 2025-11-24. Review status: criteria provided, single submitter. Criteria: Invitae Variant Classification Sherloc (09022015). Collection method: clinical testing. Allele origin: germline.

Revvity Omics, Revvity
Classification: Likely benign. Last evaluated: 2023-10-11. Review status: criteria provided, single submitter. Criteria: ACMG Guidelines, 2015. Collection method: clinical testing. Allele origin: germline.

NM_000834.5(GRIN2B):c.2648T>C (p.Val883Ala)

Gene: GRIN2B (glutamate ionotropic receptor NMDA type subunit 2B; minus strand). Cytogenetic location: 12p13.1.
Variant type: single nucleotide variant.
Coding change: c.2648T>C on transcript NM_000834.5 (MANE Select); coding-DNA position 2648, T replaced by C.
Protein change: p.Val883Ala; replaces valine 883 with alanine.
Molecular consequence: missense variant.
Genome position (GRCh38, 1-based): chr12:13,564,590, A>G on the plus strand (T>C on the coding strand, the complement: GRIN2B is on the minus strand). VCF-style: chr12-13564590-A-G. GRCh37 (hg19) VCF-style: chr12-13717524-A-G.
Other names: c.2648T>C (NM_000834.4); short protein forms V883A.
Identifiers: ClinVar variation 833831 (VCV000833831.14), dbSNP rs770464893, ClinGen allele CA6461008.
Genomic context (GRCh38, chr12:13,564,590, plus strand): 5'-CGCAGCAGGCGCAGGATGTTGGAGTGTGTGTTGTTCATGGTTGCGGTGGGGGAGTTCATT[A>G]CAGACTGGCGCTCCTCGATCGCCACCCCATGGATGCAGCTGTAGATACCCTGAAGCAAGA-3'
Protein context (NP_000825.2, residues 873-893): HGVAIEERQS[Val883Ala]MNSPTATMNN